The following is an entry in ClinVar:

NM_000284.4(PDHA1):c.1009-6_1017dup

Gene: PDHA1 (pyruvate dehydrogenase E1 subunit alpha 1; plus strand). Cytogenetic location: Xp22.12.
Variant type: Duplication.
Coding change: c.1009-6_1017dup on transcript NM_000284.4 (MANE Select); 6 bases into the intron before coding-DNA position 1009 through coding-DNA position 1017, 15 bases duplicated (TTTTAGGAAATTGAT).
Molecular consequence: splice acceptor variant.
Genome position (GRCh38, 1-based): chrX:19,359,483-19,359,497, TTTTAGGAAATTGAT duplicated; duplicating any 15 consecutive bases within chrX:19,359,481-19,359,497 gives the same sequence; the c. name uses the placement nearest the transcript's 3' end. VCF-style (leftmost placement, unchanged base first): chrX-19359480-A-AATTTTTAGGAAATTG. GRCh37 (hg19) VCF-style: chrX-19377598-A-AATTTTTAGGAAATTG.
Other names: c.1123-6_1131dup (NM_001173454.2); c.1030-6_1038dup (NM_001173455.2); c.916-6_924dup (NM_001173456.2).
Identifiers: ClinVar variation 3706346 (VCV003706346.2).

ClinVar aggregate classification (germline): Uncertain significance (1 of 4 stars; one submission).

Conditions:
Pyruvate dehydrogenase E1-alpha deficiency (PDHAD). Also called: Ataxia, intermittent, with pyruvate dehydrogenase, or decarboxylase, deficiency; ATAXIA, INTERMITTENT, WITH PYRUVATE DEHYDROGENASE DEFICIENCY; ATAXIA WITH LACTIC ACIDOSIS I; ATAXIA, INTERMITTENT, WITH ABNORMAL PYRUVATE METABOLISM. Identifiers: Orphanet 79243, MedGen C1839413, MONDO:0010717, OMIM 312170.

Submission:

Labcorp Genetics (formerly Invitae), Labcorp
Classification: Uncertain significance for Pyruvate dehydrogenase E1-alpha deficiency. Last evaluated: 2024-04-03. Review status: criteria provided, single submitter. Criteria: Invitae Variant Classification Sherloc (09022015). Collection method: clinical testing. Allele origin: germline.
Comment: This sequence change falls in intron 10 of the PDHA1 gene. It does not directly change the encoded amino acid sequence of the PDHA1 protein. This variant is not present in population databases (gnomAD no frequency). This variant has not been reported in the literature in individuals affected with PDHA1-related conditions. This variant is also known as c.1009-6_1017dup (p.Asp339_Val340insPhe*). In summary, the available evidence is currently insufficient to determine the role of this variant in disease. Therefore, it has been classified as a Variant of Uncertain Significance.